The following is an entry in ClinVar:

ClinVar aggregate classification (germline): Likely benign. Review status: criteria provided, multiple submitters, no conflicts (2 of 4 stars). 4 submissions from 4 submitters: Likely benign (4). Last evaluated 2026-01-12.

Conditions:
TXNRD2-related disorder. Also called: TXNRD2-related condition.
Cardiovascular phenotype. Identifiers: MedGen CN230736.
Primary dilated cardiomyopathy (DCM). Also called: Dilated Cardiomyopathy. Identifiers: Orphanet 217604, MedGen C0007193, MeSH D002311, MONDO:0005021, HP:0001644. Inheritance: Various modes of inheritance.

Allele frequency attached by ClinVar (database versions not stated): 1000 Genomes Project 30x 0.00016; TOPMed 0.00032.
gnomAD v4.1: 99 of 1,613,936 alleles (0.0061%); highest among the groups gnomAD compares: African/African-American, 0.072%; no homozygotes.

Submissions (4):

Labcorp Genetics (formerly Invitae), Labcorp
Classification: Likely benign for Primary dilated cardiomyopathy. Last evaluated: 2026-01-12. Review status: criteria provided, single submitter. Criteria: Invitae Variant Classification Sherloc (09022015). Collection method: clinical testing. Allele origin: germline.

PreventionGenetics, part of Exact Sciences
Classification: Likely benign for TXNRD2-related condition. Last evaluated: 2025-01-17. Review status: criteria provided, single submitter. Criteria: ACMG Guidelines, 2015. Collection method: clinical testing. Allele origin: germline.
Comment: This variant is classified as likely benign based on ACMG/AMP sequence variant interpretation guidelines (Richards et al. 2015 PMID: 25741868, with internal and published modifications).

GeneDx
Classification: Likely benign. Last evaluated: 2020-04-01. Review status: criteria provided, single submitter. Criteria: GeneDx Variant Classification Process June 2021. Collection method: clinical testing. Allele origin: germline. Affected: yes.

Ambry Genetics
Classification: Likely benign for Cardiovascular phenotype. Last evaluated: 2016-09-07. Review status: criteria provided, single submitter. Criteria: Ambry Variant Classification Scheme 2023. Collection method: clinical testing. Allele origin: germline.

NM_006440.5(TXNRD2):c.903C>T (p.Thr301=)

Gene: TXNRD2 (thioredoxin reductase 2; minus strand). Cytogenetic location: 22q11.21.
Variant type: single nucleotide variant.
Coding change: c.903C>T on transcript NM_006440.5 (MANE Select); coding-DNA position 903, C replaced by T.
Protein change: p.Thr301=; no amino-acid change (threonine 301 retained).
Molecular consequence: synonymous variant. On other transcripts: non-coding transcript variant (1).
Genome position (GRCh38, 1-based): chr22:19,895,453, G>A on the plus strand (C>T on the coding strand, the complement: TXNRD2 is on the minus strand). VCF-style: chr22-19895453-G-A. GRCh37 (hg19) VCF-style: chr22-19882976-G-A.
Other names: c.903C>T (NM_006440.4); c.903C>T, p.Thr301= (NM_001282512.3); c.900C>T, p.Thr300= (NM_001352300.2); c.813C>T, p.Thr271= (NM_001352301.2); c.615C>T, p.Thr205= (NM_001352302.2); c.807C>T, p.Thr269= (NM_001352303.2).
Identifiers: ClinVar variation 263603 (VCV000263603.17), dbSNP rs35695986, ClinGen allele CA10103951.